The following is an entry in ClinVar:

NM_030630.3(HID1):c.1009-1G>T

Gene: HID1 (HID1 domain containing; minus strand). Cytogenetic location: 17q25.1.
Variant type: single nucleotide variant.
Coding change: c.1009-1G>T on transcript NM_030630.3 (MANE Select); the canonical splice acceptor site of the intron before coding-DNA position 1009, G replaced by T.
Molecular consequence: splice acceptor variant.
Genome position (GRCh38, 1-based): chr17:74,959,052, C>A on the plus strand (G>T on the coding strand, the complement: HID1 is on the minus strand). VCF-style: chr17-74959052-C-A. GRCh37 (hg19) VCF-style: chr17-72955147-C-A.
Identifiers: ClinVar variation 986225 (VCV000986225.4), dbSNP rs757488824, ClinGen allele CA8755797.

ClinVar aggregate classification (germline): Conflicting classifications of pathogenicity. Review status: criteria provided, conflicting classifications (1 of 4 stars). 2 submissions from 2 submitters: Likely pathogenic (1); Uncertain significance (1). Last evaluated 2023-12-01.

Conditions:
Inborn genetic diseases. Identifiers: MedGen C0950123, MeSH D030342.

Allele frequency attached by ClinVar (database versions not stated): gnomAD exomes 0.00001 and 0.00002; TOPMed 0.00001; ExAC 0.00003.
gnomAD v4.1: 6 of 1,559,192 alleles (0.00038%); highest among the groups gnomAD compares: Admixed American, 0.013%; no homozygotes.

Submissions (2):

GeneDx
Classification: Uncertain significance. Last evaluated: 2023-12-01. Review status: criteria provided, single submitter. Criteria: GeneDx Variant Classification Process June 2021. Collection method: clinical testing. Allele origin: germline. Affected: yes.
Comment: Canonical splice site variant predicted to result in an in-frame loss of the adjacent exon in a gene for which loss of function is a known mechanism of disease; Has not been previously published as pathogenic or benign to our knowledge

Ambry Genetics
Classification: Likely pathogenic for Inborn genetic diseases. Last evaluated: 2017-10-11. Review status: criteria provided, single submitter. Criteria: Ambry exome assertion method (8-5-2015). Collection method: clinical testing. Allele origin: germline. Affected: yes. Observed: 1 variant allele.